The following is an entry in ClinVar:

NM_000169.3(GLA):c.195-1G>T

Genes: GLA (galactosidase alpha; minus strand), RPL36A-HNRNPH2 (RPL36A-HNRNPH2 readthrough; plus strand). Cytogenetic location: Xq22.1.
Variant type: single nucleotide variant.
Coding change: c.195-1G>T on transcript NM_000169.3 (MANE Select); the canonical splice acceptor site of the intron before coding-DNA position 195, G replaced by T.
Molecular consequence: splice acceptor variant. On other transcripts: intron variant (2).
Genome position (GRCh38, 1-based): chrX:101,403,986, C>A on the plus strand (G>T on the coding strand, the complement: GLA is on the minus strand). VCF-style: chrX-101403986-C-A. GRCh37 (hg19) VCF-style: chrX-100658974-C-A.
Other names: c.301-7950C>A (NM_001199973.2); c.178-7950C>A (NM_001199974.2); c.318-1G>T (NM_001406747.1, NM_001406749.1); c.195-1G>T (NM_001406748.1).
Identifiers: ClinVar variation 289868 (VCV000289868.13), dbSNP rs398123206, ClinGen allele CA10606581.

ClinVar aggregate classification (germline): Pathogenic. Review status: criteria provided, multiple submitters, no conflicts (2 of 4 stars). 5 submissions from 5 submitters: Pathogenic (5). Last evaluated 2026-09-08.

Conditions:
Fabry disease. Also called: Fabry's disease; GLA DEFICIENCY; HEREDITARY DYSTOPIC LIPIDOSIS; Ceramide trihexosidosis; Angiokeratoma corporis diffusum; ANDERSON-FABRY DISEASE. Identifiers: Orphanet 324, MedGen C0002986, MONDO:0010526, OMIM 301500, HP:0001071. Disease mechanism: loss of function, Fabry disease is due to inactivating mutations in the X-linked GLA gene resulting in deficiency of the enzyme Alpha Galactosidase-A..

Submissions (5):

Genomenon, Inc
Classification: Pathogenic for Fabry disease. Last evaluated: 2026-09-08. Review status: criteria provided, single submitter. Criteria: Genomenon Sequence Variant Interpretation Standards - Updated. Collection method: curation. Allele origin: germline. Affected: yes.
Comment: GLA c.195-1G>T is a canonical splice variant affecting the acceptor splice site of intron 1. It is predicted to affect mRNA splicing, leading to a deleterious effect on the GLA protein. This variant has been observed in at least one proband with clinical features consistent with Fabry disease (PMID:8996967;35831104;30988410). Functional or patient cell studies have been reported (PMID:35831104). It is absent or not present at a significant frequency in gnomAD. In conclusion, we classify GLA c.195-1G>T as a pathogenic variant.

Labcorp Genetics (formerly Invitae), Labcorp
Classification: Pathogenic for Fabry disease. Last evaluated: 2022-11-12. Review status: criteria provided, single submitter. Criteria: Invitae Variant Classification Sherloc (09022015). Collection method: clinical testing. Allele origin: germline.
Comment: This sequence change affects an acceptor splice site in intron 1 of the GLA gene. It is expected to disrupt RNA splicing. Variants that disrupt the donor or acceptor splice site typically lead to a loss of protein function (PMID: 16199547), and loss-of-function variants in GLA are known to be pathogenic (PMID: 10666480, 12175777). This variant is not present in population databases (gnomAD no frequency). Disruption of this splice site has been observed in individual(s) with Fabry disease (PMID: 8996967). ClinVar contains an entry for this variant (Variation ID: 289868). Algorithms developed to predict the effect of sequence changes on RNA splicing suggest that this variant may disrupt the consensus splice site. For these reasons, this variant has been classified as Pathogenic.

Genome-Nilou Lab
Classification: Pathogenic for Fabry disease. Last evaluated: 2021-07-15. Review status: criteria provided, single submitter. Criteria: ACMG Guidelines, 2015. Collection method: clinical testing. Allele origin: germline. Affected: no.

Fulgent Genetics
Classification: Pathogenic for Fabry disease. Last evaluated: 2018-10-31. Review status: criteria provided, single submitter. Criteria: ACMG Guidelines, 2015. Collection method: clinical testing. Allele origin: unknown.

Eurofins Ntd Llc (ga)
Classification: Pathogenic. Last evaluated: 2016-08-22. Review status: criteria provided, single submitter. Criteria: EGL Classification Definitions 2015. Collection method: clinical testing. Allele origin: germline. Observed: 5 variant alleles, 5 heterozygotes.

Literature cited by the submitters: PubMed 8996967 (cited by 3 submitters); PubMed 35831104 (cited by Genomenon, Inc); PubMed 30988410 (cited by Genomenon, Inc); PubMed 16199547 (cited by Labcorp Genetics (formerly Invitae), Labcorp); PubMed 10666480 (cited by Labcorp Genetics (formerly Invitae), Labcorp); PubMed 12175777 (cited by Labcorp Genetics (formerly Invitae), Labcorp).